The following is an entry in ClinVar:

NM_173076.3(ABCA12):c.6962+1G>A

Genes: ABCA12 (ATP binding cassette subfamily A member 12; minus strand), SNHG31 (small nucleolar RNA host gene 31; plus strand). Cytogenetic location: 2q35.
Variant type: single nucleotide variant.
Coding change: c.6962+1G>A on transcript NM_173076.3 (MANE Select); the canonical splice donor site of the intron after coding-DNA position 6962, G replaced by A.
Molecular consequence: splice donor variant.
Genome position (GRCh38, 1-based): chr2:214,949,039, C>T on the plus strand (G>A on the coding strand, the complement: ABCA12 is on the minus strand). VCF-style: chr2-214949039-C-T. GRCh37 (hg19) VCF-style: chr2-215813763-C-T.
Other names: c.6008+1G>A (NM_015657.4).
Identifiers: ClinVar variation 4707554 (VCV004707554.1).

ClinVar aggregate classification (germline): Likely pathogenic (1 of 4 stars; one submission).

gnomAD v4.1: 46 of 1,609,916 alleles (0.0029%); highest among the groups gnomAD compares: Non-Finnish European, 0.0037%; no homozygotes.

Submission:

Labcorp Genetics (formerly Invitae), Labcorp
Classification: Likely pathogenic. Last evaluated: 2025-12-28. Review status: criteria provided, single submitter. Criteria: Invitae Variant Classification Sherloc (09022015). Collection method: clinical testing. Allele origin: germline.
Comment: This sequence change affects a donor splice site in intron 46 of the ABCA12 gene. It is expected to disrupt RNA splicing. Variants that disrupt the donor or acceptor splice site typically lead to a loss of protein function (PMID: 16199547), and loss-of-function variants in ABCA12 are known to be pathogenic (PMID: 20672373). This variant is present in population databases (rs767101129, gnomAD 0.008%). Disruption of this splice site has been observed in individual(s) with ABCA12-related conditions (PMID: 38540347). Algorithms developed to predict the effect of sequence changes on RNA splicing suggest that this variant may disrupt the consensus splice site. In summary, the currently available evidence indicates that the variant is pathogenic, but additional data are needed to prove that conclusively. Therefore, this variant has been classified as Likely Pathogenic.

Literature cited by the submitters: PubMed 16199547; PubMed 20672373; PubMed 38540347.